The following is an entry in ClinVar:

NM_001999.4(FBN2):c.3883G>A (p.Asp1295Asn)

Gene: FBN2 (fibrillin 2; minus strand). Cytogenetic location: 5q23.3.
Variant type: single nucleotide variant.
Coding change: c.3883G>A on transcript NM_001999.4 (MANE Select); coding-DNA position 3883, G replaced by A.
Protein change: p.Asp1295Asn; replaces aspartic acid 1295 with asparagine.
Molecular consequence: missense variant.
Genome position (GRCh38, 1-based): chr5:128,335,260, C>T on the plus strand (G>A on the coding strand, the complement: FBN2 is on the minus strand). VCF-style: chr5-128335260-C-T. GRCh37 (hg19) VCF-style: chr5-127670952-C-T.
Other names: short protein forms D1295N.
Identifiers: ClinVar variation 213405 (VCV000213405.15), dbSNP rs759131544, ClinGen allele CA324462.

ClinVar aggregate classification (germline): Conflicting classifications of pathogenicity. Review status: criteria provided, conflicting classifications (1 of 4 stars). 4 submissions from 4 submitters: Uncertain significance (3); Likely benign (1). Last evaluated 2025-11-12.

Conditions:
Connective tissue disorder. Also called: Connective tissue disease. Identifiers: MedGen C0009782, MONDO:0003900.
Familial thoracic aortic aneurysm and aortic dissection (TAAD). Also called: Thoracic aortic aneurysms and dissections. Identifiers: Orphanet 91387, MedGen C4707243, MONDO:0019625.
Congenital contractural arachnodactyly (CCA). Also called: Beals-Hecht syndrome; BEALS SYNDROME; Arthrogryposis, distal, type 9. Identifiers: Orphanet 115, MedGen C0220668, MONDO:0007363, OMIM 121050.

Allele frequency attached by ClinVar (database versions not stated): ExAC 0.00002; gnomAD exomes 0.00002 and 0.00003; gnomAD 0.00004 and 0.00006; TOPMed 0.00007.
gnomAD v4.1: 29 of 1,614,014 alleles (0.0018%); highest among the groups gnomAD compares: African/African-American, 0.004%; no homozygotes.

Submissions (4):

Labcorp Genetics (formerly Invitae), Labcorp
Classification: Likely benign for Congenital contractural arachnodactyly. Last evaluated: 2025-11-12. Review status: criteria provided, single submitter. Criteria: Invitae Variant Classification Sherloc (09022015). Collection method: clinical testing. Allele origin: germline.

GeneDx
Classification: Uncertain significance. Last evaluated: 2024-09-05. Review status: criteria provided, single submitter. Criteria: GeneDx Variant Classification Process June 2021. Collection method: clinical testing. Allele origin: germline. Affected: yes.
Comment: Has not been previously published as pathogenic or benign to our knowledge; Although located in a calcium-binding EGF-like domain of the FBN2 gene, it does not substitute or introduce a cysteine residue (PMID: 19006240, 18767143); In silico analysis supports that this missense variant has a deleterious effect on protein structure/function; This variant is associated with the following publications: (PMID: 19006240, 18767143)

Ambry Genetics
Classification: Uncertain significance for Familial thoracic aortic aneurysm and aortic dissection. Last evaluated: 2024-04-26. Review status: criteria provided, single submitter. Criteria: Ambry Variant Classification Scheme 2023. Collection method: clinical testing. Allele origin: germline.
Comment: The p.D1295N variant (also known as c.3883G>A), located in coding exon 30 of the FBN2 gene, results from a G to A substitution at nucleotide position 3883. The aspartic acid at codon 1295 is replaced by asparagine, an amino acid with highly similar properties. This amino acid position is highly conserved in available vertebrate species. In addition, this alteration is predicted to be tolerated by in silico analysis. Based on the available evidence, the clinical significance of this variant remains unclear.

Center for Human Genetics, Inc
Classification: Uncertain significance for Connective tissue disorder. Last evaluated: 2018-06-01. Review status: criteria provided, single submitter. Criteria: ACMG Guidelines, 2015. Collection method: clinical testing. Allele origin: germline. Affected: yes.